The following is an entry in ClinVar:

ClinVar aggregate classification (germline): Uncertain significance. Review status: criteria provided, multiple submitters, no conflicts (2 of 4 stars). 8 submissions from 8 submitters: Uncertain significance (8). Last evaluated 2026-07-14.

Conditions:
Mitochondrial complex II deficiency, nuclear type 1. Also called: SUCCINATE CoQ REDUCTASE DEFICIENCY. Identifiers: Orphanet 3208, MedGen C5700310, MONDO:0100294, OMIM 252011.
Pheochromocytoma/paraganglioma syndrome 5. Also called: Paragangliomas 5; SDHA-Related Hereditary Paraganglioma-Pheochromocytoma Syndrome. Identifiers: Orphanet 29072, MedGen C3279992, MONDO:0013602, OMIM 614165.
Dilated cardiomyopathy 1GG (CMD1GG). Identifiers: Orphanet 154, MedGen C3150898, MONDO:0013339, OMIM 613642.
Neurodegeneration with ataxia and late-onset optic atrophy. Identifiers: MedGen C5543254, MONDO:0031006, OMIM 619259.
Hereditary cancer-predisposing syndrome. Also called: Neoplastic Syndromes, Hereditary; Hereditary Cancer Syndrome; Tumor predisposition; Hereditary neoplastic syndrome. Identifiers: Orphanet 140162, MedGen C0027672, MeSH D009386, MONDO:0015356.

Allele frequency attached by ClinVar (database versions not stated): ExAC 0.00001; gnomAD exomes 0.00001; TOPMed 0.00001.
gnomAD v4.1: 21 of 1,613,822 alleles (0.0013%); highest among the groups gnomAD compares: Non-Finnish European, 0.0018%; no homozygotes.

Submissions (8):

Ambry Genetics
Classification: Uncertain significance for Hereditary cancer-predisposing syndrome. Last evaluated: 2026-07-14. Review status: criteria provided, single submitter. Criteria: Ambry Variant Classification Scheme 2023. Collection method: clinical testing. Allele origin: germline.

Labcorp Genetics (formerly Invitae), Labcorp
Classification: Uncertain significance for Pheochromocytoma/paraganglioma syndrome 5; Mitochondrial complex II deficiency, nuclear type 1. Last evaluated: 2026-01-13. Review status: criteria provided, single submitter. Criteria: Invitae Variant Classification Sherloc (09022015). Collection method: clinical testing. Allele origin: germline.
Comment: This sequence change replaces proline, which is neutral and non-polar, with serine, which is neutral and polar, at codon 477 of the SDHA protein (p.Pro477Ser). This variant is present in population databases (rs770506764, gnomAD 0.003%). This variant has not been reported in the literature in individuals affected with SDHA-related conditions. ClinVar contains an entry for this variant (Variation ID: 412339). Invitae Evidence Modeling of protein sequence and biophysical properties (such as structural, functional, and spatial information, amino acid conservation, physicochemical variation, residue mobility, and thermodynamic stability) indicates that this missense variant is not expected to disrupt SDHA protein function with a negative predictive value of 95%. RNA analysis performed to evaluate the impact of this missense change on mRNA splicing indicates it does not significantly alter splicing (internal data). In summary, the available evidence is currently insufficient to determine the role of this variant in disease. Therefore, it has been classified as a Variant of Uncertain Significance.

Institute for Genomic Medicine (IGM) Clinical Laboratory, Nationwide Children's Hospital
Classification: Uncertain significance for Pheochromocytoma/paraganglioma syndrome 5. Last evaluated: 2024-11-19. Review status: criteria provided, single submitter. Criteria: ACMG Guidelines, 2015. Collection method: clinical testing. Allele origin: germline.
Comment: This variant is absent from or present at an exceedingly low frequency in gnomAD, a large-scale control population database (ACMG/AMP: PM2). This variant results in a missense alteration in a gene for which primarily truncating variants are known to cause disease (ACMG/AMP: BP1).

Blueprint Genetics
Classification: Uncertain significance. Last evaluated: 2024-09-04. Review status: criteria provided, single submitter. Criteria: ACMG Guidelines, 2015. Collection method: clinical testing. Allele origin: germline.

Baylor Genetics
Classification: Uncertain significance for Dilated cardiomyopathy 1GG. Last evaluated: 2024-03-08. Review status: criteria provided, single submitter. Criteria: ACMG Guidelines, 2015. Collection method: clinical testing. Allele origin: unknown.

GeneDx
Classification: Uncertain significance. Last evaluated: 2024-02-23. Review status: criteria provided, single submitter. Criteria: GeneDx Variant Classification Process June 2021. Collection method: clinical testing. Allele origin: germline.
Comment: Not observed at significant frequency in large population cohorts (gnomAD); In silico analysis supports that this missense variant has a deleterious effect on protein structure/function; Has not been previously published as pathogenic or benign to our knowledge; In silico analysis suggests this variant may impact gene splicing. In the absence of RNA/functional studies, the actual effect of this sequence change is unknown.

Institute for Clinical Genetics, University Hospital TU Dresden, University Hospital TU Dresden
Classification: Uncertain significance. Last evaluated: 2021-11-03. Review status: criteria provided, single submitter. Criteria: ACMG Guidelines, 2015. Collection method: clinical testing. Allele origin: germline.

Fulgent Genetics
Classification: Uncertain significance for Mitochondrial complex II deficiency, nuclear type 1; Dilated cardiomyopathy 1GG; Pheochromocytoma/paraganglioma syndrome 5; Neurodegeneration with ataxia and late-onset optic atrophy. Last evaluated: 2021-08-31. Review status: criteria provided, single submitter. Criteria: ACMG Guidelines, 2015. Collection method: clinical testing. Allele origin: unknown.

NM_004168.4(SDHA):c.1429C>T (p.Pro477Ser)

Gene: SDHA (succinate dehydrogenase complex flavoprotein subunit A; plus strand). Cytogenetic location: 5p15.33.
Variant type: single nucleotide variant.
Coding change: c.1429C>T on transcript NM_004168.4 (MANE Select); coding-DNA position 1429, C replaced by T.
Protein change: p.Pro477Ser; replaces proline 477 with serine.
Molecular consequence: missense variant.
Genome position (GRCh38, 1-based): chr5:236,596, C>T. VCF-style: chr5-236596-C-T. GRCh37 (hg19) VCF-style: chr5-236711-C-T.
Other names: c.1285C>T, p.Pro429Ser (NM_001294332.2); c.1429C>T, p.Pro477Ser (NM_001330758.2); short protein forms P477S, P429S.
Identifiers: ClinVar variation 412339 (VCV000412339.23), dbSNP rs770506764, ClinGen allele CA3173224.